The following is an entry in ClinVar:

ClinVar aggregate classification (germline): Uncertain significance (1 of 4 stars; one submission).

Submission:

Labcorp Genetics (formerly Invitae), Labcorp
Classification: Uncertain significance. Last evaluated: 2022-05-25. Review status: criteria provided, single submitter. Criteria: Invitae Variant Classification Sherloc (09022015). Collection method: clinical testing. Allele origin: germline.
Comment: In summary, the available evidence is currently insufficient to determine the role of this variant in disease. Therefore, it has been classified as a Variant of Uncertain Significance. Algorithms developed to predict the effect of missense changes on protein structure and function (SIFT, PolyPhen-2, Align-GVGD) all suggest that this variant is likely to be disruptive. This variant has not been reported in the literature in individuals affected with TRMT10A-related conditions. This variant is not present in population databases (gnomAD no frequency). This sequence change replaces methionine, which is neutral and non-polar, with lysine, which is basic and polar, at codon 240 of the TRMT10A protein (p.Met240Lys).

NM_001134665.3(TRMT10A):c.719T>A (p.Met240Lys)

Gene: TRMT10A (tRNA methyltransferase 10A; minus strand). Cytogenetic location: 4q23.
Variant type: single nucleotide variant.
Coding change: c.719T>A on transcript NM_001134665.3 (MANE Select); coding-DNA position 719, T replaced by A.
Protein change: p.Met240Lys; replaces methionine 240 with lysine.
Molecular consequence: missense variant.
Genome position (GRCh38, 1-based): chr4:99,550,917, A>T on the plus strand (T>A on the coding strand, the complement: TRMT10A is on the minus strand). VCF-style: chr4-99550917-A-T. GRCh37 (hg19) VCF-style: chr4-100472074-A-T.
Other names: c.719T>A, p.Met240Lys (NM_001134666.3, NM_001375880.1, NM_001375881.1 and 1 more transcripts); c.698T>A, p.Met233Lys (NM_001375882.1); short protein forms M240K, M233K.
Identifiers: ClinVar variation 1998820 (VCV001998820.4), dbSNP rs2476007420, ClinGen allele CA357508040.